The following is an entry in ClinVar:

ClinVar aggregate classification (germline): Uncertain significance. Review status: criteria provided, multiple submitters, no conflicts (2 of 4 stars). 2 submissions from 2 submitters: Uncertain significance (2). Last evaluated 2024-10-01.

Conditions:
Inborn genetic diseases. Identifiers: MedGen C0950123, MeSH D030342.

Allele frequency attached by ClinVar (database versions not stated): ExAC 0.00002; gnomAD 0.00002; gnomAD exomes 0.00002; TOPMed 0.00002.

Submissions (2):

Ambry Genetics
Classification: Uncertain significance for Inborn genetic diseases. Last evaluated: 2024-10-01. Review status: criteria provided, single submitter. Criteria: Ambry Variant Classification Scheme 2023. Collection method: clinical testing. Allele origin: germline.

Labcorp Genetics (formerly Invitae), Labcorp
Classification: Uncertain significance. Last evaluated: 2021-10-13. Review status: criteria provided, single submitter. Criteria: Invitae Variant Classification Sherloc (09022015). Collection method: clinical testing. Allele origin: germline.
Comment: This sequence change replaces arginine with histidine at codon 310 of the USH1C protein (p.Arg310His). The arginine residue is moderately conserved and there is a small physicochemical difference between arginine and histidine. This variant is present in population databases (rs752499487, ExAC 0.01%). This variant has not been reported in the literature in individuals with USH1C-related conditions. Algorithms developed to predict the effect of missense changes on protein structure and function output the following: SIFT: "Tolerated"; PolyPhen-2: "Benign"; Align-GVGD: "Class C0". The histidine amino acid residue is found in multiple mammalian species, suggesting that this missense change does not adversely affect protein function. These predictions have not been confirmed by published functional studies and their clinical significance is uncertain. In summary, the available evidence is currently insufficient to determine the role of this variant in disease. Therefore, it has been classified as a Variant of Uncertain Significance.

NM_153676.4(USH1C):c.929G>A (p.Arg310His)

Gene: USH1C (USH1 protein network component harmonin; minus strand). Cytogenetic location: 11p15.1.
Variant type: single nucleotide variant.
Coding change: c.929G>A on transcript NM_153676.4 (MANE Select); coding-DNA position 929, G replaced by A.
Protein change: p.Arg310His; replaces arginine 310 with histidine.
Molecular consequence: missense variant. On other transcripts: non-coding transcript variant (1).
Genome position (GRCh38, 1-based): chr11:17,522,874, C>T on the plus strand (G>A on the coding strand, the complement: USH1C is on the minus strand). VCF-style: chr11-17522874-C-T. GRCh37 (hg19) VCF-style: chr11-17544421-C-T.
Other names: c.872G>A, p.Arg291His (NM_001297764.2); c.929G>A, p.Arg310His (NM_005709.4); c.929G>A (NM_005709.3); short protein forms R291H, R310H.
Identifiers: ClinVar variation 2166013 (VCV002166013.2), dbSNP rs752499487, ClinGen allele CA5904786.
Genomic context (GRCh38, chr11:17,522,874, plus strand): 5'-ATCTTGTTGGACTCCATCGCCAGCCGCTTCTGCATGAGAAGCTCCTGCCGCTGCAGCTCA[C>T]GCTGCCGCGCCTCTGCCAGCCGCTCCCGGTCTGTCATGAACAGCTCCCGGCCCTCATGGG-3'
Protein context (NP_710142.1, residues 300-320): DRERLAEARQ[Arg310His]ELQRQELLMQ